The following is an entry in ClinVar:

NM_001199107.2(TBC1D24):c.983G>T (p.Arg328Met)

Gene: TBC1D24 (TBC1 domain family member 24; plus strand). Cytogenetic location: 16p13.3.
Variant type: single nucleotide variant.
Coding change: c.983G>T on transcript NM_001199107.2 (MANE Select); coding-DNA position 983, G replaced by T.
Protein change: p.Arg328Met; replaces arginine 328 with methionine.
Molecular consequence: missense variant. On other transcripts: intron variant (1).
Genome position (GRCh38, 1-based): chr16:2,497,727, G>T. VCF-style: chr16-2497727-G-T. GRCh37 (hg19) VCF-style: chr16-2547728-G-T.
Other names: p.R328M:AGG>ATG; c.966-511G>T (NM_020705.3); short protein forms R328M.
Identifiers: ClinVar variation 207510 (VCV000207510.12), dbSNP rs796053404, ClinGen allele CA319054.

ClinVar aggregate classification (germline): Uncertain significance. Review status: criteria provided, multiple submitters, no conflicts (2 of 4 stars). 2 submissions from 2 submitters: Uncertain significance (2). Last evaluated 2025-10-13.

Conditions:
Autosomal dominant nonsyndromic hearing loss 65. Also called: Deafness, autosomal dominant 65; TBC1D24-Related Autosomal Dominant Nonsyndromic Hearing Loss (DFNA). Identifiers: Orphanet 90635, MedGen C3892048, MONDO:0014470, OMIM 616044.
Developmental and epileptic encephalopathy, 1 (DEE1). Also called: X-linked infantile spasms; West's syndrome; Tonic spasms with clustering, arrest of psychomotor development and hypsarrhythmia on EEG; X-Linked Infantile Spasm Syndrome; Epileptic encephalopathy, early infantile, 1; OHTAHARA SYNDROME, X-LINKED. Identifiers: MedGen C3463992, MONDO:0010632, OMIM 308350. Disease mechanism: loss of function.

Allele frequency attached by ClinVar (database versions not stated): gnomAD exomes below 0.00001; TOPMed 0.00001; gnomAD 0.00001.
gnomAD v4.1: 3 of 1,536,010 alleles (0.0002%); highest among the groups gnomAD compares: Non-Finnish European, 0.00026%; no homozygotes.

Submissions (2):

Labcorp Genetics (formerly Invitae), Labcorp
Classification: Uncertain significance for Developmental and epileptic encephalopathy, 1; Autosomal dominant nonsyndromic hearing loss 65. Last evaluated: 2025-10-13. Review status: criteria provided, single submitter. Criteria: Invitae Variant Classification Sherloc (09022015). Collection method: clinical testing. Allele origin: germline.
Comment: This sequence change replaces arginine, which is basic and polar, with methionine, which is neutral and non-polar, at codon 328 of the TBC1D24 protein (p.Arg328Met). This variant also falls at the last nucleotide of exon 3, which is part of the consensus splice site for this exon. This variant is not present in population databases (gnomAD no frequency). This variant has not been reported in the literature in individuals affected with TBC1D24-related conditions. ClinVar contains an entry for this variant (Variation ID: 207510). Invitae Evidence Modeling of protein sequence and biophysical properties (such as structural, functional, and spatial information, amino acid conservation, physicochemical variation, residue mobility, and thermodynamic stability) has been performed for this missense variant. However, the output from this modeling did not meet the statistical confidence thresholds required to predict the impact of this variant on TBC1D24 protein function. Variants that disrupt the consensus splice site are a relatively common cause of aberrant splicing (PMID: 17576681, 9536098). Algorithms developed to predict the effect of sequence changes on RNA splicing suggest that this variant may disrupt the consensus splice site. In summary, the available evidence is currently insufficient to determine the role of this variant in disease. Therefore, it has been classified as a Variant of Uncertain Significance.

GeneDx
Classification: Uncertain significance. Last evaluated: 2014-07-21. Review status: criteria provided, single submitter. Criteria: GeneDx Variant Classification (06012015). Collection method: clinical testing. Allele origin: germline. Affected: yes.
Comment: p.Arg328Met (AGG>ATG): c.983 G>T in exon 3 of the TBC1D24 gene (NM_001199107.1). A variant of unknown significance has been identified in the TBC1D24 gene. The c.983 G>T variant has not been published as a mutation, nor has it been reported as a benign polymorphism to our knowledge. Multiple in silico algorithms predict that c.983 G>T could potentially damage or destroy the natural donor site in exon 3 and lead to abnormal splicing. However, in the absence of RNA/functional studies, the actual effect of this sequence change is unknown. If c.983 G>T does not affect gene splicing, it will result in the R328M missense substitution. The R328M variant is a non-conservative amino acid substitution, which is likely to impact secondary protein structure as these residues differ in polarity, charge, size and/or other properties. This substitution occurs at a position that is conserved across species. In silico analysis predicts this variant is probably damaging to the protein structure/function. Based on the currently available information, it is unclear whether this variant is a pathogenic mutation or a rare benign variant. The variant is found in EPILEPSY,INFANT-EPI panel(s).

Literature cited by the submitters: PubMed 17576681 (cited by Labcorp Genetics (formerly Invitae), Labcorp); PubMed 9536098 (cited by Labcorp Genetics (formerly Invitae), Labcorp).